The following is an entry in ClinVar:

NM_015910.7(WDPCP):c.208+6G>T

Gene: WDPCP (WD repeat containing planar cell polarity effector; minus strand). Cytogenetic location: 2p15.
Variant type: single nucleotide variant.
Coding change: c.208+6G>T on transcript NM_015910.7 (MANE Select); 6 bases into the intron after coding-DNA position 208, G replaced by T.
Molecular consequence: intron variant.
Genome position (GRCh38, 1-based): chr2:63,487,441, C>A on the plus strand (G>T on the coding strand, the complement: WDPCP is on the minus strand). VCF-style: chr2-63487441-C-A. GRCh37 (hg19) VCF-style: chr2-63714575-C-A.
Other names: c.136+6G>T (NM_001354044.2); c.208+6G>T (NM_001354045.2).
Identifiers: ClinVar variation 1413740 (VCV001413740.4), dbSNP rs775227440, ClinGen allele CA1682576.

ClinVar aggregate classification (germline): Uncertain significance. Review status: criteria provided, multiple submitters, no conflicts (2 of 4 stars). 2 submissions from 2 submitters: Uncertain significance (2). Last evaluated 2022-05-06.

Conditions:
Heart defect - tongue hamartoma - polysyndactyly syndrome. Also called: Congenital heart defects, hamartomas of tongue, and polysyndactyly. Identifiers: Orphanet 1338, MedGen C1857587, MONDO:0009008, OMIM 217085.
Bardet-Biedl syndrome 15 (BBS15). Identifiers: Orphanet 110, MedGen C3150127, MONDO:0014443, OMIM 615992.
Bardet-Biedl syndrome (BBS). Identifiers: Orphanet 110, MedGen C0752166, MONDO:0015229.

Allele frequency attached by ClinVar (database versions not stated): gnomAD 0.00002.
gnomAD v4.1: 11 of 1,585,280 alleles (0.00069%); highest among the groups gnomAD compares: Non-Finnish European, 0.00087%; no homozygotes.

Submissions (2):

Fulgent Genetics
Classification: Uncertain significance for Heart defect - tongue hamartoma - polysyndactyly syndrome; Bardet-Biedl syndrome 15. Last evaluated: 2022-05-06. Review status: criteria provided, single submitter. Criteria: ACMG Guidelines, 2015. Collection method: clinical testing. Allele origin: unknown.

Labcorp Genetics (formerly Invitae), Labcorp
Classification: Uncertain significance for Bardet-Biedl syndrome. Last evaluated: 2021-07-13. Review status: criteria provided, single submitter. Criteria: Invitae Variant Classification Sherloc (09022015). Collection method: clinical testing. Allele origin: germline.
Comment: This sequence change falls in intron 3 of the WDPCP gene. It does not directly change the encoded amino acid sequence of the WDPCP protein. It affects a nucleotide within the consensus splice site of the intron. This variant is present in population databases (rs775227440, ExAC 0.003%). This variant has not been reported in the literature in individuals affected with WDPCP-related conditions. Nucleotide substitutions within the consensus splice site are a relatively common cause of aberrant splicing (PMID: 17576681, 9536098). Algorithms developed to predict the effect of sequence changes on RNA splicing suggest that this variant is not likely to affect RNA splicing. In summary, the available evidence is currently insufficient to determine the role of this variant in disease. Therefore, it has been classified as a Variant of Uncertain Significance.

Literature cited by the submitters: PubMed 17576681 (cited by Labcorp Genetics (formerly Invitae), Labcorp); PubMed 9536098 (cited by Labcorp Genetics (formerly Invitae), Labcorp).